The following is an entry in ClinVar:

NM_014762.4(DHCR24):c.*2555A>G

Gene: DHCR24 (24-dehydrocholesterol reductase; minus strand). Cytogenetic location: 1p32.3.
Variant type: single nucleotide variant.
Coding change: c.*2555A>G on transcript NM_014762.4 (MANE Select); 2555 bases downstream of the stop codon, A replaced by G.
Molecular consequence: 3 prime UTR variant.
Genome position (GRCh38, 1-based): chr1:54,849,678, T>C on the plus strand (A>G on the coding strand, the complement: DHCR24 is on the minus strand). VCF-style: chr1-54849678-T-C. GRCh37 (hg19) VCF-style: chr1-55315351-T-C.
Identifiers: ClinVar variation 297612 (VCV000297612.6), dbSNP rs657688, ClinGen allele CA10610439.
Genomic context (GRCh38, chr1:54,849,678, plus strand): 5'-ACGACAAACGCCAGCTTCCAGGCCACTTTTATTTAAACAGAAGCAGCGGCCCCACAGCCA[T>C]GGGGACATGTCTTCCAGACAGTAGACACAGTGCCTGTGGCTGTAAGAGCCTGACAGGGAA-3'

ClinVar aggregate classification (germline): Benign. Review status: criteria provided, multiple submitters, no conflicts (2 of 4 stars). 2 submissions from 2 submitters: Benign (2). Last evaluated 2018-01-13.

Conditions:
Desmosterolosis. Identifiers: Orphanet 35107, MedGen C1865596, MONDO:0011217, OMIM 602398.

Allele frequency attached by ClinVar (database versions not stated): TOPMed 0.99938; gnomAD 0.99942 and 0.99941; gnomAD exomes 1.00000; 1000 Genomes Project 30x 0.99969; 1000 Genomes Project 0.99980.
gnomAD v4.1: 152,658 of 152,746 alleles (100%); highest among the groups gnomAD compares: Middle Eastern, 100%; 76,285 homozygotes.

Submissions (2):

Illumina Laboratory Services, Illumina
Classification: Benign for Desmosterolosis. Last evaluated: 2018-01-13. Review status: criteria provided, single submitter. Criteria: ICSL Variant Classification Criteria 13 December 2019. Collection method: clinical testing. Allele origin: germline.
Comment: This variant was observed in the ICSL laboratory as part of a predisposition screen in an ostensibly healthy population. It had not been previously curated by ICSL or reported in the Human Gene Mutation Database (HGMD: prior to June 1st, 2018), and was therefore a candidate for classification through an automated scoring system. Utilizing variant allele frequency, disease prevalence and penetrance estimates, and inheritance mode, an automated score was calculated to assess if this variant is too frequent to cause the disease. Based on the score and internal cut-off values, a variant classified as benign is not then subjected to further curation. The score for this variant resulted in a classification of benign for this disease.

Breakthrough Genomics
Classification: Benign. Review status: criteria provided, single submitter. Criteria: ACMG Guidelines, 2015. Collection method: not provided. Allele origin: germline. Inheritance: Autosomal recessive inheritance. Affected: yes.